The following is an entry in ClinVar:

NM_001372.4(DNAH9):c.11299C>T (p.Arg3767Ter)

Gene: DNAH9 (dynein axonemal heavy chain 9; plus strand). Cytogenetic location: 17p12.
Variant type: single nucleotide variant.
Coding change: c.11299C>T on transcript NM_001372.4 (MANE Select); coding-DNA position 11299, C replaced by T.
Protein change: p.Arg3767Ter; replaces arginine 3767 with a stop codon.
Molecular consequence: nonsense.
Genome position (GRCh38, 1-based): chr17:11,894,389, C>T. VCF-style: chr17-11894389-C-T. GRCh37 (hg19) VCF-style: chr17-11797706-C-T.
Other names: c.11299C>T (NM_001372.3); c.235C>T, p.Arg79Ter (NM_004662.2); short protein forms R3767*, R79*.
Identifiers: ClinVar variation 1984400 (VCV001984400.5), dbSNP rs777033401, ClinGen allele CA8397795.

ClinVar aggregate classification (germline): Pathogenic/Likely pathogenic. Review status: criteria provided, multiple submitters, no conflicts (2 of 4 stars). 2 submissions from 2 submitters: Pathogenic (1); Likely pathogenic (1). Last evaluated 2026-07-21.

Conditions:
DNAH9-related disorder. Also called: DNAH9-related condition.

Allele frequency attached by ClinVar (database versions not stated): gnomAD exomes 0.00001; ExAC 0.00002; TOPMed 0.00002.
gnomAD v4.1: 16 of 1,614,108 alleles (0.00099%); highest among the groups gnomAD compares: South Asian, 0.0099%; no homozygotes.

Submissions (2):

PreventionGenetics, part of Exact Sciences
Classification: Likely pathogenic for DNAH9-related condition. Last evaluated: 2026-07-21. Review status: criteria provided, single submitter. Criteria: ACMG Guidelines, 2015. Collection method: clinical testing. Allele origin: germline.
Comment: The DNAH9 c.11299C>T variant is predicted to result in premature protein termination (p.Arg3767*). To our knowledge, this variant has not been reported in the literature. This variant is reported in 0.0062% of alleles in individuals of African descent in gnomAD. Nonsense variants in DNAH9 are expected to be pathogenic. This variant is interpreted as likely pathogenic.

Labcorp Genetics (formerly Invitae), Labcorp
Classification: Pathogenic. Last evaluated: 2024-04-05. Review status: criteria provided, single submitter. Criteria: Invitae Variant Classification Sherloc (09022015). Collection method: clinical testing. Allele origin: germline.
Comment: This sequence change creates a premature translational stop signal (p.Arg3767*) in the DNAH9 gene. It is expected to result in an absent or disrupted protein product. Loss-of-function variants in DNAH9 are known to be pathogenic (PMID: 30471718). This variant is present in population databases (rs777033401, gnomAD 0.007%). This variant has not been reported in the literature in individuals affected with DNAH9-related conditions. ClinVar contains an entry for this variant (Variation ID: 1984400). For these reasons, this variant has been classified as Pathogenic.

Literature cited by the submitters: PubMed 30471718 (cited by Labcorp Genetics (formerly Invitae), Labcorp).